The following is an entry in ClinVar:

NM_000395.3(CSF2RB):c.1934C>T (p.Ala645Val)

Gene: CSF2RB (colony stimulating factor 2 receptor subunit beta; plus strand). Cytogenetic location: 22q12.3.
Variant type: single nucleotide variant.
Coding change: c.1934C>T on transcript NM_000395.3 (MANE Select); coding-DNA position 1934, C replaced by T.
Protein change: p.Ala645Val; replaces alanine 645 with valine.
Molecular consequence: missense variant.
Genome position (GRCh38, 1-based): chr22:36,937,742, C>T. VCF-style: chr22-36937742-C-T. GRCh37 (hg19) VCF-style: chr22-37333784-C-T.
Other names: short protein forms A645V.
Identifiers: ClinVar variation 999823 (VCV000999823.7), dbSNP rs143072680, ClinGen allele CA10214003.

ClinVar aggregate classification (germline): Uncertain significance (1 of 4 stars; one submission).

Allele frequency attached by ClinVar (database versions not stated): gnomAD 0.00006 and 0.00007; TOPMed 0.00010; gnomAD exomes 0.00012; 1000 Genomes Project 30x 0.00016; ESP Exome Variant Server 0.00016; 1000 Genomes Project 0.00020.

Submission:

Labcorp Genetics (formerly Invitae), Labcorp
Classification: Uncertain significance. Last evaluated: 2025-11-13. Review status: criteria provided, single submitter. Criteria: Invitae Variant Classification Sherloc (09022015). Collection method: clinical testing. Allele origin: germline.
Comment: This sequence change replaces alanine, which is neutral and non-polar, with valine, which is neutral and non-polar, at codon 645 of the CSF2RB protein (p.Ala645Val). This variant is present in population databases (rs143072680, gnomAD 0.07%). This variant has not been reported in the literature in individuals affected with CSF2RB-related conditions. ClinVar contains an entry for this variant (Variation ID: 999823). Invitae Evidence Modeling of protein sequence and biophysical properties (such as structural, functional, and spatial information, amino acid conservation, physicochemical variation, residue mobility, and thermodynamic stability) indicates that this missense variant is not expected to disrupt CSF2RB protein function with a negative predictive value of 80%. In summary, the available evidence is currently insufficient to determine the role of this variant in disease. Therefore, it has been classified as a Variant of Uncertain Significance.